The following is an entry in ClinVar:

ClinVar aggregate classification (germline): Uncertain significance (1 of 4 stars; one submission).

Conditions:
Familial adenomatous polyposis 1 (FAP1). Also called: FAMILIAL ADENOMATOUS POLYPOSIS 1, ATTENUATED; POLYPOSIS, ADENOMATOUS INTESTINAL. Identifiers: MedGen C2713442, MONDO:0021056, OMIM 175100. Disease mechanism: loss of function.

Submission:

Labcorp Genetics (formerly Invitae), Labcorp
Classification: Uncertain significance for Familial adenomatous polyposis 1. Last evaluated: 2024-11-21. Review status: criteria provided, single submitter. Criteria: Invitae Variant Classification Sherloc (09022015). Collection method: clinical testing. Allele origin: germline.
Comment: This variant occurs in a non-coding region of the APC gene. It does not change the encoded amino acid sequence of the APC protein. This variant is present in population databases (no rsID available, gnomAD 0.007%). This variant has not been reported in the literature in individuals affected with APC-related conditions. Experimental studies and prediction algorithms are not available or were not evaluated, and the functional significance of this variant is currently unknown. In summary, the available evidence is currently insufficient to determine the role of this variant in disease. Therefore, it has been classified as a Variant of Uncertain Significance.

NM_001127511.3(APC):c.-136G>T

Gene: APC (APC regulator of Wnt signaling pathway; plus strand). Cytogenetic location: 5q22.2.
Variant type: single nucleotide variant.
Coding change: c.-136G>T on transcript NM_001127511.3; 136 bases upstream of the start codon, G replaced by T.
Molecular consequence: 5 prime UTR variant. On other transcripts: non-coding transcript variant (2).
Genome position (GRCh38, 1-based): chr5:112,707,582, G>T. VCF-style: chr5-112707582-G-T. GRCh37 (hg19) VCF-style: chr5-112043279-G-T.
Other names: c.-319G>T (NM_001354895.2, NM_001407447.1, NM_001407452.1 and 3 more transcripts); c.-136G>T (NM_001354897.2, NM_001354902.2, NM_001407446.1); c.-86G>T (NM_001407448.1, NM_001407450.1, NM_001407457.1 and 1 more transcripts); c.-110G>T (NM_001407453.1); c.-1354G>T (NM_001407470.1, NM_001407472.1).
Identifiers: ClinVar variation 2159873 (VCV002159873.3), dbSNP rs982566204, ClinGen allele CA561890251.
Genomic context (GRCh38, chr5:112,707,582, plus strand): 5'-CAAGATGGCGGAGGGCAAGTAGCAAGGGGGCGGGGTGTGGCCGCCGGAAGCCTAGCCGCT[G>T]CTCGGGGGGGACCTGCGGGCTCAGGCCCGGGAGCTGCGGACCGAGGTTGGCTCGATGCTG-3'